The following is an entry in ClinVar:

ClinVar aggregate classification (germline): Likely benign. Review status: criteria provided, multiple submitters, no conflicts (2 of 4 stars). 7 submissions from 7 submitters: Likely benign (7). Last evaluated 2025-09-16.

Conditions:
DSP-related disorder. Also called: DSP-related condition; DSP-related disorders.
Cardiomyopathy (CMYO). Also called: Cardiomyopathies. Identifiers: Orphanet 167848, MedGen C0878544, MONDO:0004994, HP:0001638. Inheritance: Various modes of inheritance.
Arrhythmogenic cardiomyopathy with wooly hair and keratoderma. Also called: Arrhythmogenic cardiomyopathy with woolly hair and keratoderma; Carvajal syndrome; PALMOPLANTAR KERATODERMA WITH LEFT VENTRICULAR CARDIOMYOPATHY AND WOOLLY HAIR; Dilated cardiomyopathy with woolly hair and keratoderma. Identifiers: Orphanet 65282, MedGen C1854063, MONDO:0011581, OMIM 605676.
Arrhythmogenic right ventricular dysplasia 8 (ARVD8). Also called: Arrhythmogenic Right Ventricular Dysplasia/Cardiomyopathy 8; ARRHYTHMOGENIC RIGHT VENTRICULAR CARDIOMYOPATHY 8; ARRHYTHMOGENIC RIGHT VENTRICULAR DYSPLASIA, FAMILIAL, 8. Identifiers: MedGen C1843896, MONDO:0011831, OMIM 607450.
Cardiovascular phenotype. Identifiers: MedGen CN230736.

Allele frequency attached by ClinVar (database versions not stated): ExAC 0.00001; gnomAD exomes 0.00001; TOPMed 0.00001; gnomAD 0.00002.

Submissions (7):

PreventionGenetics, part of Exact Sciences
Classification: Likely benign for DSP-related condition. Last evaluated: 2025-09-16. Review status: criteria provided, single submitter. Criteria: ACMG Guidelines, 2015. Collection method: clinical testing. Allele origin: germline.
Comment: This variant is classified as likely benign based on ACMG/AMP sequence variant interpretation guidelines (Richards et al. 2015 PMID: 25741868, with internal and published modifications).

Molecular Diagnostic Laboratory for Inherited Cardiovascular Disease, Montreal Heart Institute
Classification: Likely benign. Last evaluated: 2025-07-24. Review status: criteria provided, single submitter. Criteria: ACMG Guidelines, 2015. Collection method: clinical testing. Allele origin: germline. Affected: no.
Comment: BP7

Labcorp Genetics (formerly Invitae), Labcorp
Classification: Likely benign for Arrhythmogenic cardiomyopathy with wooly hair and keratoderma; Arrhythmogenic right ventricular dysplasia 8. Last evaluated: 2025-06-04. Review status: criteria provided, single submitter. Criteria: Invitae Variant Classification Sherloc (09022015). Collection method: clinical testing. Allele origin: germline.

All of Us Research Program, National Institutes of Health
Classification: Likely benign for Arrhythmogenic cardiomyopathy with wooly hair and keratoderma. Last evaluated: 2024-06-17. Review status: criteria provided, single submitter. Criteria: ACMG Guidelines, 2015. Collection method: clinical testing. Allele origin: germline. Inheritance: Autosomal dominant inheritance. Observed: 8 variant alleles, 8 heterozygotes.
Comment: This study involves interpretation of variants in research participants for the purpose of population health screening. Participant phenotype was not available at the time of variant classification. Additional details can be found in publication PMID: 35346344, PMCID: PMC8962531

Ambry Genetics
Classification: Likely benign for Cardiovascular phenotype. Last evaluated: 2020-02-28. Review status: criteria provided, single submitter. Criteria: Ambry Variant Classification Scheme 2023. Collection method: clinical testing. Allele origin: germline.

Color Diagnostics, LLC DBA Color Health
Classification: Likely benign for Cardiomyopathy. Last evaluated: 2019-07-15. Review status: criteria provided, single submitter. Criteria: ACMG Guidelines, 2015. Collection method: clinical testing. Allele origin: germline.

GeneDx
Classification: Likely benign. Last evaluated: 2018-04-09. Review status: criteria provided, single submitter. Criteria: GeneDx Variant Classification (06012015). Collection method: clinical testing. Allele origin: germline. Affected: yes.
Comment: This variant is considered likely benign or benign based on one or more of the following criteria: it is a conservative change, it occurs at a poorly conserved position in the protein, it is predicted to be benign by multiple in silico algorithms, and/or has population frequency not consistent with disease.

NM_004415.4(DSP):c.4005G>A (p.Gln1335=)

Gene: DSP (desmoplakin; plus strand). Cytogenetic location: 6p24.3.
Variant type: single nucleotide variant.
Coding change: c.4005G>A on transcript NM_004415.4 (MANE Select); coding-DNA position 4005, G replaced by A.
Protein change: p.Gln1335=; no amino-acid change (glutamine 1335 retained).
Molecular consequence: synonymous variant. On other transcripts: intron variant (1).
Genome position (GRCh38, 1-based): chr6:7,580,195, G>A. VCF-style: chr6-7580195-G-A. GRCh37 (hg19) VCF-style: chr6-7580428-G-A.
Other names: c.4005G>A, p.Gln1335= (NM_001319034.2); c.3582+423G>A (NM_001008844.3); c.4005G>A (NM_004415.3).
Identifiers: ClinVar variation 668739 (VCV000668739.18), dbSNP rs775720924, ClinGen allele CA039779.